The following is an entry in ClinVar:

NM_006486.3(FBLN1):c.1957G>A (p.Asp653Asn)

Gene: FBLN1 (fibulin 1; plus strand). Cytogenetic location: 22q13.31.
Variant type: single nucleotide variant.
Coding change: c.1957G>A on transcript NM_006486.3 (MANE Select); coding-DNA position 1957, G replaced by A.
Protein change: p.Asp653Asn; replaces aspartic acid 653 with asparagine.
Molecular consequence: missense variant.
Genome position (GRCh38, 1-based): chr22:45,577,093, G>A. VCF-style: chr22-45577093-G-A. GRCh37 (hg19) VCF-style: chr22-45972973-G-A.
Other names: short protein forms D653N.
Identifiers: ClinVar variation 2595050 (VCV002595050.5), dbSNP rs372903194, ClinGen allele CA10287323.

ClinVar aggregate classification (germline): Uncertain significance. Review status: criteria provided, multiple submitters, no conflicts (2 of 4 stars). 2 submissions from 2 submitters: Uncertain significance (2). Last evaluated 2025-12-06.

Allele frequency attached by ClinVar (database versions not stated): ExAC 0.00003; TOPMed 0.00005; gnomAD 0.00007; gnomAD exomes 0.00004; ESP Exome Variant Server 0.00008.
gnomAD v4.1: 71 of 1,614,006 alleles (0.0044%); highest among the groups gnomAD compares: Non-Finnish European, 0.0056%; no homozygotes.

Submissions (2):

Labcorp Genetics (formerly Invitae), Labcorp
Classification: Uncertain significance. Last evaluated: 2025-12-06. Review status: criteria provided, single submitter. Criteria: Invitae Variant Classification Sherloc (09022015). Collection method: clinical testing. Allele origin: germline.
Comment: This sequence change replaces aspartic acid, which is acidic and polar, with asparagine, which is neutral and polar, at codon 653 of the FBLN1 protein (p.Asp653Asn). This variant is present in population databases (rs372903194, gnomAD 0.01%). This variant has not been reported in the literature in individuals affected with FBLN1-related conditions. ClinVar contains an entry for this variant (Variation ID: 2595050). An algorithm developed to predict the effect of missense changes on protein structure and function (PolyPhen-2) suggests that this variant is likely to be disruptive. In summary, the available evidence is currently insufficient to determine the role of this variant in disease. Therefore, it has been classified as a Variant of Uncertain Significance.

Ambry Genetics
Classification: Uncertain significance. Last evaluated: 2023-07-25. Review status: criteria provided, single submitter. Criteria: Ambry Variant Classification Scheme 2023. Collection method: clinical testing. Allele origin: germline.